The following is an entry in ClinVar:

ClinVar aggregate classification (germline): Likely benign (1 of 4 stars; one submission).

gnomAD v4.1: 3 of 1,614,170 alleles (0.00019%); highest among the groups gnomAD compares: African/African-American, 0.004%; no homozygotes.

Submission:

CeGaT Center for Human Genetics Tuebingen
Classification: Likely benign. Last evaluated: 2026-01-01. Review status: criteria provided, single submitter. Criteria: CeGaT Center For Human Genetics Tuebingen Variant Classification Criteria Version 2. Collection method: clinical testing. Allele origin: germline. Affected: yes. Observed: 1 variant allele.
Comment: TUBA1C: BP4, BP7

NM_032704.5(TUBA1C):c.1170C>A (p.Arg390=)

Gene: TUBA1C (tubulin alpha 1c; plus strand). Cytogenetic location: 12q13.12.
Variant type: single nucleotide variant.
Coding change: c.1170C>A on transcript NM_032704.5 (MANE Select); coding-DNA position 1170, C replaced by A.
Protein change: p.Arg390=; no amino-acid change (arginine 390 retained).
Molecular consequence: synonymous variant.
Genome position (GRCh38, 1-based): chr12:49,273,047, C>A. VCF-style: chr12-49273047-C-A. GRCh37 (hg19) VCF-style: chr12-49666830-C-A.
Other names: c.1380C>A, p.Arg460= (NM_001303114.1); c.1065C>A, p.Arg355= (NM_001303115.2, NM_001303116.2, NM_001303117.2).
Identifiers: ClinVar variation 4822686 (VCV004822686.4).